The following is an entry in ClinVar:

NM_000088.4(COL1A1):c.805-1G>C

Genes: COL1A1 (collagen type I alpha 1 chain; minus strand), LOC126862586 (CDK7 strongly-dependent group 2 enhancer GRCh37_chr17:48273702-48274901; plus strand). Cytogenetic location: 17q21.33.
Variant type: single nucleotide variant.
Coding change: c.805-1G>C on transcript NM_000088.4 (MANE Select); the canonical splice acceptor site of the intron before coding-DNA position 805, G replaced by C.
Molecular consequence: splice acceptor variant.
Genome position (GRCh38, 1-based): chr17:50,196,671, C>G on the plus strand (G>C on the coding strand, the complement: COL1A1 is on the minus strand). VCF-style: chr17-50196671-C-G. GRCh37 (hg19) VCF-style: chr17-48274032-C-G.
Identifiers: ClinVar variation 1510875 (VCV001510875.8), dbSNP rs1598298699, ClinGen allele CA400222722.

ClinVar aggregate classification (germline): Pathogenic (1 of 4 stars; one submission).

Conditions:
Osteogenesis imperfecta type I (OI1). Also called: Lobstein disease; Osteogenesis imperfecta type 1; Lobstein's Disease; Classic Non-deforming Osteogenesis Imperfecta with Blue Sclerae; OI, TYPE I; OSTEOGENESIS IMPERFECTA TARDA. Identifiers: Orphanet 216796, Orphanet 666, MedGen C0023931, MONDO:0008146, OMIM 166200. Disease mechanism: loss of function.

Submission:

Labcorp Genetics (formerly Invitae), Labcorp
Classification: Pathogenic for Osteogenesis imperfecta type I. Last evaluated: 2025-01-15. Review status: criteria provided, single submitter. Criteria: Invitae Variant Classification Sherloc (09022015). Collection method: clinical testing. Allele origin: germline.
Comment: This sequence change affects an acceptor splice site in intron 11 of the COL1A1 gene. It is expected to disrupt RNA splicing. Variants that disrupt the donor or acceptor splice site typically lead to a loss of protein function (PMID: 16199547), and loss-of-function variants in COL1A1 are known to be pathogenic (PMID: 7942841, 9295084, 9443882). This variant is not present in population databases (gnomAD no frequency). Disruption of this splice site has been observed in individuals with osteogenesis imperfecta (internal data). ClinVar contains an entry for this variant (Variation ID: 1510875). Algorithms developed to predict the effect of sequence changes on RNA splicing suggest that this variant may disrupt the consensus splice site. For these reasons, this variant has been classified as Pathogenic.

Literature cited by the submitters: PubMed 16199547; PubMed 7942841; PubMed 9295084; PubMed 9443882.